The following is an entry in ClinVar:

NM_020297.4(ABCC9):c.2644-11G>A

Gene: ABCC9 (ATP binding cassette subfamily C member 9; minus strand). Cytogenetic location: 12p12.1.
Variant type: single nucleotide variant.
Coding change: c.2644-11G>A on transcript NM_020297.4 (MANE Select); 11 bases into the intron before coding-DNA position 2644, G replaced by A.
Molecular consequence: intron variant.
Genome position (GRCh38, 1-based): chr12:21,852,233, C>T on the plus strand (G>A on the coding strand, the complement: ABCC9 is on the minus strand). VCF-style: chr12-21852233-C-T. GRCh37 (hg19) VCF-style: chr12-22005167-C-T.
Other names: c.1777-11G>A (NM_001377274.1); c.2644-11G>A (NM_005691.4, NM_001377273.1).
Identifiers: ClinVar variation 35631 (VCV000035631.57), dbSNP rs61926078, ClinGen allele CA282543.
Genomic context (GRCh38, chr12:21,852,233, plus strand): 5'-TCCTTCAAAGTTCCTTCTCTTAGGACACTTCCATCTTTCATGGCTATGATCTAAGGAAAG[C>T]GGATATTCCCAGAAATGTGACGAAAAGCCTTGATTGGCAAAATGAACTACCTTTATTTCA-3'

ClinVar aggregate classification (germline): Benign/Likely benign. Review status: criteria provided, multiple submitters, no conflicts (2 of 4 stars). 12 submissions from 11 submitters: Benign (4); Likely benign (3). 5 of the submissions do not count toward it. Last evaluated 2026-09-01.

Conditions:
Cardiomyopathy (CMYO). Also called: Cardiomyopathies. Identifiers: Orphanet 167848, MedGen C0878544, MONDO:0004994, HP:0001638. Inheritance: Various modes of inheritance.
Hypertrichotic osteochondrodysplasia Cantu type. Also called: Cantú Syndrome; Cantu Syndrome. Identifiers: Orphanet 1517, MedGen C0795905, MONDO:0009406, OMIM 239850.
Dilated cardiomyopathy 1O (CMD1O). Also called: CARDIOMYOPATHY, DILATED, WITH VENTRICULAR TACHYCARDIA. Identifiers: Orphanet 154, MedGen C1837839, MONDO:0012062, OMIM 608569.

Allele frequency attached by ClinVar (database versions not stated): 1000 Genomes Project 0.00260; TOPMed 0.00556; 1000 Genomes Project 30x 0.00281; ESP Exome Variant Server 0.00692.
gnomAD v4.1: 13,388 of 1,613,646 alleles (0.83%); highest among the groups gnomAD compares: Non-Finnish European, 0.98%; 92 homozygotes.

Submissions (12):

CeGaT Center for Human Genetics Tuebingen
Classification: Likely benign. Last evaluated: 2026-09-01. Review status: criteria provided, single submitter. Criteria: CeGaT Center For Human Genetics Tuebingen Variant Classification Criteria Version 2. Collection method: clinical testing. Allele origin: germline. Affected: yes. Observed: 46 variant alleles.
Comment: ABCC9: BS2

Labcorp Genetics (formerly Invitae), Labcorp
Classification: Benign for Dilated cardiomyopathy 1O. Last evaluated: 2026-02-04. Review status: criteria provided, single submitter. Criteria: Invitae Variant Classification Sherloc (09022015). Collection method: clinical testing. Allele origin: germline.

ARUP Laboratories, Molecular Genetics and Genomics, ARUP Laboratories
Classification: Benign. Last evaluated: 2025-03-10. Review status: criteria provided, single submitter. Criteria: ARUP Molecular Germline Variant Investigation Process 2024. Collection method: clinical testing. Allele origin: germline.

Illumina Laboratory Services, Illumina
Classification: Likely benign for Hypertrichotic osteochondrodysplasia Cantu type. Last evaluated: 2018-01-12. Review status: criteria provided, single submitter. Criteria: ICSL Variant Classification Criteria 13 December 2019. Collection method: clinical testing. Allele origin: germline.
Comment: This variant was observed in the ICSL laboratory as part of a predisposition screen in an ostensibly healthy population. It had not been previously curated by ICSL or reported in the Human Gene Mutation Database (HGMD: prior to June 1st, 2018), and was therefore a candidate for classification through an automated scoring system. Utilizing variant allele frequency, disease prevalence and penetrance estimates, and inheritance mode, an automated score was calculated to assess if this variant is too frequent to cause the disease. Based on the score and internal cut-off values, a variant classified as likely benign is not then subjected to further curation. The score for this variant resulted in a classification of likely benign for this disease.

Illumina Laboratory Services, Illumina
Classification: Likely benign for Dilated cardiomyopathy 1O. Last evaluated: 2018-01-12. Review status: criteria provided, single submitter. Criteria: ICSL Variant Classification Criteria 13 December 2019. Collection method: clinical testing. Allele origin: germline.
Comment: the same text as in the submission from Illumina Laboratory Services, Illumina above.

GeneDx
Classification: Benign. Last evaluated: 2014-03-20. Review status: criteria provided, single submitter. Criteria: GeneDx Variant Classification (06012015). Collection method: clinical testing. Allele origin: germline. Affected: yes.
Comment: This variant is considered likely benign or benign based on one or more of the following criteria: it is a conservative change, it occurs at a poorly conserved position in the protein, it is predicted to be benign by multiple in silico algorithms, and/or has population frequency not consistent with disease.

Laboratory for Molecular Medicine, Mass General Brigham Personalized Medicine
Classification: Benign. Last evaluated: 2012-11-28. Review status: criteria provided, single submitter. Criteria: LMM Criteria. Collection method: clinical testing. Allele origin: germline. Observed: 28 variant alleles.
Comment: 2644-11G>A in intron 21 of ABCC9: This variant affects a position in the intron that sometimes affect splicing. However, it has been observed at a frequency i n the general population that makes a role in disease very unlikely (.). 2644-11G>A in intron 21 of ABCC9 (rs61926078; allele f requency = 0.097%, 84/8600)**

Women's Health and Genetics/Laboratory Corporation of America, LabCorp
Classification: Benign for Cardiomyopathy. Last evaluated: 2015-06-04. Review status: no assertion criteria provided. Collection method: clinical testing. Allele origin: germline. Not counted in ClinVar's aggregate classification.

Clinical Genetics, Academic Medical Center
Classification: Benign. Review status: no assertion criteria provided. Collection method: clinical testing. Allele origin: germline. Affected: yes. Study: VKGL Data-share Consensus. Not counted in ClinVar's aggregate classification.

Diagnostic Laboratory, Department of Genetics, University Medical Center Groningen
Classification: Likely benign. Review status: no assertion criteria provided. Collection method: clinical testing. Allele origin: germline. Affected: yes. Study: VKGL Data-share Consensus. Not counted in ClinVar's aggregate classification.

Genome Diagnostics Laboratory, University Medical Center Utrecht
Classification: Benign. Review status: no assertion criteria provided. Collection method: clinical testing. Allele origin: germline. Affected: yes. Study: VKGL Data-share Consensus. Not counted in ClinVar's aggregate classification.

Joint Genome Diagnostic Labs from Nijmegen and Maastricht, Radboudumc and MUMC+
Classification: Benign. Review status: no assertion criteria provided. Collection method: clinical testing. Allele origin: germline. Affected: yes. Study: VKGL Data-share Consensus. Not counted in ClinVar's aggregate classification.